The following is an entry in ClinVar:

ClinVar aggregate classification (germline): Pathogenic (1 of 4 stars; one submission).

Conditions:
Glycogen storage disease IXb (GSD9B). Also called: GLYCOGENOSIS OF LIVER AND MUSCLE, AUTOSOMAL RECESSIVE; GSD IXb; PHOSPHORYLASE KINASE DEFICIENCY OF LIVER AND MUSCLE, AUTOSOMAL RECESSIVE. Identifiers: Orphanet 79240, MedGen C0543514, MONDO:0009868, OMIM 261750.

Submission:

Labcorp Genetics (formerly Invitae), Labcorp
Classification: Pathogenic for Glycogen storage disease IXb. Last evaluated: 2026-01-02. Review status: criteria provided, single submitter. Criteria: Invitae Variant Classification Sherloc (09022015). Collection method: clinical testing. Allele origin: germline.
Comment: This sequence change creates a premature translational stop signal (p.Gly709*) in the PHKB gene. It is expected to result in an absent or disrupted protein product. Loss-of-function variants in PHKB are known to be pathogenic (PMID: 9215682, 9326319). This variant is not present in population databases (gnomAD no frequency). This variant has not been reported in the literature in individuals affected with PHKB-related conditions. For these reasons, this variant has been classified as Pathogenic.

Literature cited by the submitters: PubMed 9215682; PubMed 9326319.

NM_000293.3(PHKB):c.2125G>T (p.Gly709Ter)

Gene: PHKB (phosphorylase kinase regulatory subunit beta; plus strand). Cytogenetic location: 16q12.1.
Variant type: single nucleotide variant.
Coding change: c.2125G>T on transcript NM_000293.3 (MANE Select); coding-DNA position 2125, G replaced by T.
Protein change: p.Gly709Ter; replaces glycine 709 with a stop codon.
Molecular consequence: nonsense.
Genome position (GRCh38, 1-based): chr16:47,660,748, G>T. VCF-style: chr16-47660748-G-T. GRCh37 (hg19) VCF-style: chr16-47694659-G-T.
Other names: c.2104G>T, p.Gly702Ter (NM_001031835.3); c.2125G>T, p.Gly709Ter (NM_001363837.1); short protein forms G702*, G709*.
Identifiers: ClinVar variation 4733653 (VCV004733653.1).